The following is an entry in ClinVar:

ClinVar aggregate classification (germline): Pathogenic (1 of 4 stars; one submission).

Conditions:
Mitochondrial DNA depletion syndrome 13. Also called: FBXL4-Related Encephalomyopathic Mitochondrial DNA Depletion Syndrome; Mitochondrial DNA depletion syndrome 13 (encephalomyopathic type). Identifiers: Orphanet 369897, MedGen C3809592, MONDO:0014198, OMIM 615471.

Allele frequency attached by ClinVar (database versions not stated): gnomAD exomes below 0.00001.
gnomAD v4.1: 1 of 1,613,578 alleles (0.000062%); highest among the groups gnomAD compares: African/African-American, 0.0013%; no homozygotes.

Submission:

Wong Mito Lab, Molecular and Human Genetics, Baylor College of Medicine
Classification: Pathogenic for Mitochondrial DNA depletion syndrome 13. Last evaluated: 2017-08-10. Review status: criteria provided, single submitter. Criteria: ACMG Guidelines, 2015. Collection method: clinical testing. Allele origin: germline. Affected: yes.
Comment: The NM_012160.4:c.1317G>A (NP_036292.2:p.Glu439=) [GRCH38: NC_000006.12:g.98899268C>T] variant in FBXL4 gene is interpretated to be a Pathogenic based on ACMG guidelines (PMID: 25741868). This variant meets one or more of the following evidence codes reported in the ACMG-guideline. PVS1:This variant is a predcted null variant in FBXL4 where loss of function is a known mechanism of disease. PM2:This variant is absent in key population databases. PP4:Patientâ€™s phenotype or family history is highly specific for FBXL4. PP5:Reputable source(s) suggest that the variant is pathogenic. Based on this evidence code ClinGen Pathogenicity Calculator (PMID:28081714) suggested that the variant is Pathogenic.

NM_001278716.2(FBXL4):c.1317G>A (p.Glu439=)

Gene: FBXL4 (F-box and leucine rich repeat protein 4; minus strand). Cytogenetic location: 6q16.1.
Variant type: single nucleotide variant.
Coding change: c.1317G>A on transcript NM_001278716.2 (MANE Select); coding-DNA position 1317, G replaced by A.
Protein change: p.Glu439=; no amino-acid change (glutamic acid 439 retained).
Molecular consequence: synonymous variant. On other transcripts: non-coding transcript variant (2).
Genome position (GRCh38, 1-based): chr6:98,899,268, C>T on the plus strand (G>A on the coding strand, the complement: FBXL4 is on the minus strand). VCF-style: chr6-98899268-C-T. GRCh37 (hg19) VCF-style: chr6-99347144-C-T.
Other names: c.1317G>A, p.Glu439= (NM_012160.5).
Identifiers: ClinVar variation 437503 (VCV000437503.1), dbSNP rs1554218789, ClinGen allele CA16021019.